The following is an entry in ClinVar:

NM_001271.4(CHD2):c.4033C>T (p.Arg1345Trp)

Gene: CHD2 (chromodomain helicase DNA binding protein 2; plus strand). Cytogenetic location: 15q26.1.
Variant type: single nucleotide variant.
Coding change: c.4033C>T on transcript NM_001271.4 (MANE Select); coding-DNA position 4033, C replaced by T.
Protein change: p.Arg1345Trp; replaces arginine 1345 with tryptophan.
Molecular consequence: missense variant.
Genome position (GRCh38, 1-based): chr15:93,000,536, C>T. VCF-style: chr15-93000536-C-T. GRCh37 (hg19) VCF-style: chr15-93543766-C-T.
Other names: short protein forms R1345W.
Identifiers: ClinVar variation 1416921 (VCV001416921.8), dbSNP rs1273391509, ClinGen allele CA393900343.
Genomic context (GRCh38, chr15:93,000,536, plus strand): 5'-TTTGTATTTTAATCATCATTTTCTCTCCTTTTCCAGGCCAAATTAAAGAAGCGGAAGCCT[C>T]GGGTAAAGAAGGAAAACAAAGTGCCCAGGCTGAAAGAGGAGCATGGAATTGAGCTTTCAT-3'
Protein context (NP_001262.3, residues 1335-1355): EEAKLKKRKP[Arg1345Trp]VKKENKVPRL

ClinVar aggregate classification (germline): Uncertain significance (1 of 4 stars; one submission).

Conditions:
Developmental and epileptic encephalopathy 94 (DEE94). Also called: Epileptic encephalopathy, childhood-onset; CHD2-Related Neurodevelopmental Disorders. Identifiers: Orphanet 1942, Orphanet 2382, MedGen C3809278, MONDO:0014150, OMIM 615369.

Allele frequency attached by ClinVar (database versions not stated): gnomAD exomes below 0.00001; TOPMed below 0.00001.
gnomAD v4.1: 6 of 1,611,250 alleles (0.00037%); highest among the groups gnomAD compares: East Asian, 0.0022%; no homozygotes.

Submission:

Labcorp Genetics (formerly Invitae), Labcorp
Classification: Uncertain significance for Developmental and epileptic encephalopathy 94. Last evaluated: 2023-10-05. Review status: criteria provided, single submitter. Criteria: Invitae Variant Classification Sherloc (09022015). Collection method: clinical testing. Allele origin: germline.
Comment: This sequence change replaces arginine, which is basic and polar, with tryptophan, which is neutral and slightly polar, at codon 1345 of the CHD2 protein (p.Arg1345Trp). This variant is present in population databases (no rsID available, gnomAD 0.003%). This missense change has been observed in individual(s) with neurodevelopmental disorders (PMID: 28191889, 33004838). This variant is also known as c.4027C>T (p.Arg1343Trp). ClinVar contains an entry for this variant (Variation ID: 1416921). Advanced modeling of protein sequence and biophysical properties (such as structural, functional, and spatial information, amino acid conservation, physicochemical variation, residue mobility, and thermodynamic stability) has been performed at Invitae for this missense variant, however the output from this modeling did not meet the statistical confidence thresholds required to predict the impact of this variant on CHD2 protein function. In summary, the available evidence is currently insufficient to determine the role of this variant in disease. Therefore, it has been classified as a Variant of Uncertain Significance.

Literature cited by the submitters: PubMed 28191889; PubMed 33004838.